The following is an entry in ClinVar:

NM_005097.4(LGI1):c.431+1G>A

Gene: LGI1 (leucine rich glioma inactivated 1; plus strand). Cytogenetic location: 10q23.33.
Variant type: single nucleotide variant.
Coding change: c.431+1G>A on transcript NM_005097.4 (MANE Select); the canonical splice donor site of the intron after coding-DNA position 431, G replaced by A.
Molecular consequence: splice donor variant. On other transcripts: intron variant (1).
Genome position (GRCh38, 1-based): chr10:93,777,618, G>A. VCF-style: chr10-93777618-G-A. GRCh37 (hg19) VCF-style: chr10-95537375-G-A.
Other names: IVS5DS, G-A, +1; c.431+1G>A (NM_001308275.2); c.288-12481G>A (NM_001308276.2).
Identifiers: ClinVar variation 5436 (VCV000005436.3), dbSNP rs2134001459, ClinGen allele CA377621170.

ClinVar aggregate classification (germline): Likely pathogenic. Review status: criteria provided, single submitter (1 of 4 stars). 2 submissions from 2 submitters: Likely pathogenic (1). 1 of the submissions does not count toward it. Last evaluated 2023-09-24.

Conditions:
Epilepsy, familial temporal lobe, 1. Identifiers: Orphanet 101046, MedGen CN030884, MONDO:0700090, OMIM 600512.

Submissions (2):

GeneDx
Classification: Likely pathogenic. Last evaluated: 2023-09-24. Review status: criteria provided, single submitter. Criteria: GeneDx Variant Classification Process June 2021. Collection method: clinical testing. Allele origin: germline. Affected: yes.
Comment: Canonical splice site variant predicted to result in an in-frame loss of the adjacent exon in a gene for which loss of function is a known mechanism of disease; Not observed at significant frequency in large population cohorts (gnomAD); This variant is associated with the following publications: (PMID: 25525159, 30612076, 17296837, 18711109, 28717674, 26773249, 19191227, 22957248, 23651915)

OMIM
Classification: Pathogenic for EPILEPSY, FAMILIAL TEMPORAL LOBE, 1. Last evaluated: 2007-02-01. Review status: no assertion criteria provided. Collection method: literature only. Allele origin: germline. Not counted in ClinVar's aggregate classification.

Literature cited by the submitters: PubMed 17296837 (cited by OMIM).